The following is an entry in ClinVar:

NM_001723.7(DST):c.5078_5079del (p.Glu1693fs)

Gene: DST (dystonin; minus strand). Cytogenetic location: 6p12.1.
Variant type: Deletion.
Coding change: c.5078_5079del on transcript NM_001723.7 (MANE Plus Clinical); coding-DNA positions 5078 to 5079, 2 bases deleted (AA; older notation c.5078_5079delAA).
Protein change: p.Glu1693fs; shifts the reading frame from glutamic acid 1693.
Molecular consequence: frameshift variant. On other transcripts: intron variant (10).
Genome position (GRCh38, 1-based): chr6:56,618,955-56,618,956, TT deleted on the plus strand (AA on the coding strand, the reverse complement: DST is on the minus strand). VCF-style (leftmost placement, unchanged base first): chr6-56618954-CTT-C. GRCh37 (hg19) VCF-style: chr6-56483752-CTT-C.
Other names: c.4831-4472_4831-4471del (NM_001144769.5); c.4930-4472_4930-4471del (NM_001374722.1, NM_001374736.1); c.4957-4472_4957-4471del (NM_001374734.1); c.4417-4472_4417-4471del (NM_001144770.2); c.4297-4472_4297-4471del (NM_001374730.1, NM_001386100.1, NM_183380.4 and 1 more transcripts); c.3319-4472_3319-4471del (NM_015548.5); short protein forms E1693fs.
Identifiers: ClinVar variation 1958307 (VCV001958307.5), dbSNP rs2536691711, ClinGen allele CA2580075622.

ClinVar aggregate classification (germline): Pathogenic (1 of 4 stars; one submission).

Conditions:
Hereditary sensory and autonomic neuropathy type 6. Also called: HSAN VI; Neuropathy, hereditary sensory and autonomic, type VI. Identifiers: Orphanet 314381, MedGen C3539003, MONDO:0013839, OMIM 614653.
Epidermolysis bullosa simplex 3, localized or generalized intermediate, with BP230 deficiency (EBS3). Also called: Epidermolysis bullosa simplex due to BP230 deficiency; Epidermolysis bullosa simplex, autosomal recessive 2. Identifiers: Orphanet 412181, MedGen C3809470, MONDO:0014180, OMIM 615425.

Submission:

Labcorp Genetics (formerly Invitae), Labcorp
Classification: Pathogenic for Epidermolysis bullosa simplex 3, localized or generalized intermediate, with BP230 deficiency; Hereditary sensory and autonomic neuropathy type 6. Last evaluated: 2022-07-19. Review status: criteria provided, single submitter. Criteria: Invitae Variant Classification Sherloc (09022015). Collection method: clinical testing. Allele origin: germline.
Comment: This sequence change creates a premature translational stop signal (p.Glu1693Glyfs*21) in the DST gene. It is expected to result in an absent or disrupted protein product. Loss-of-function variants in DST are known to be pathogenic (PMID: 22522446, 25059916, 30371979). This variant is not present in population databases (gnomAD no frequency). This variant has not been reported in the literature in individuals affected with DST-related conditions. For these reasons, this variant has been classified as Pathogenic.

Literature cited by the submitters: PubMed 22522446; PubMed 25059916; PubMed 30371979.